The following is an entry in ClinVar:

ClinVar aggregate classification (germline): Conflicting classifications of pathogenicity. Review status: criteria provided, conflicting classifications (1 of 4 stars). 3 submissions from 3 submitters: Pathogenic (1); Likely pathogenic (1); Uncertain significance (1). Last evaluated 2024-11-18.

Conditions:
ACVRL1-related disorder. Also called: ACVRL1-related condition; ACVRL1-related disorders.
Telangiectasia, hereditary hemorrhagic, type 2 (HHT2). Also called: ACVRL1-Related Hereditary Hemorrhagic Telangiectasia; Telangiectasia, hereditary hemorrhagic, type II. Identifiers: Orphanet 774, MedGen C1838163, MONDO:0010880, OMIM 600376. Disease mechanism: loss of function.
Cardiovascular phenotype. Identifiers: MedGen CN230736.

Submissions (3):

Ambry Genetics
Classification: Uncertain significance for Cardiovascular phenotype. Last evaluated: 2024-11-18. Review status: criteria provided, single submitter. Criteria: Ambry Variant Classification Scheme 2023. Collection method: clinical testing. Allele origin: germline.
Comment: The p.D348N variant (also known as c.1042G>A), located in coding exon 6 of the ACVRL1 gene, results from a G to A substitution at nucleotide position 1042. The aspartic acid at codon 348 is replaced by asparagine, an amino acid with highly similar properties. This alteration has been reported in a subject with features of hereditary hemorrhagic telangiectasia (HHT) (Zhao Y et al. Mol Genet Genomic Med, 2019 Sep;7:e893). This amino acid position is highly conserved in available vertebrate species. In addition, this alteration is predicted to be deleterious by in silico analysis. Since supporting evidence is limited at this time, the clinical significance of this alteration remains unclear.

Labcorp Genetics (formerly Invitae), Labcorp
Classification: Pathogenic for Telangiectasia, hereditary hemorrhagic, type 2. Last evaluated: 2024-06-24. Review status: criteria provided, single submitter. Criteria: Invitae Variant Classification Sherloc (09022015). Collection method: clinical testing. Allele origin: germline.
Comment: This sequence change replaces aspartic acid, which is acidic and polar, with asparagine, which is neutral and polar, at codon 348 of the ACVRL1 protein (p.Asp348Asn). This variant is not present in population databases (gnomAD no frequency). This missense change has been observed in individuals with hereditary hemorrhagic telangiectasia (PMID: 31400083; Invitae). ClinVar contains an entry for this variant (Variation ID: 2567110). Advanced modeling of protein sequence and biophysical properties (such as structural, functional, and spatial information, amino acid conservation, physicochemical variation, residue mobility, and thermodynamic stability) performed at Invitae indicates that this missense variant is expected to disrupt ACVRL1 protein function with a positive predictive value of 95%. This variant disrupts the p.Asp348 amino acid residue in ACVRL1. Other variant(s) that disrupt this residue have been determined to be pathogenic (PMID: 31400083; Invitae). This suggests that this residue is clinically significant, and that variants that disrupt this residue are likely to be disease-causing. For these reasons, this variant has been classified as Pathogenic.

Blueprint Genetics
Classification: Likely pathogenic for ACVRL1-related disorders. Last evaluated: 2020-07-16. Review status: criteria provided, single submitter. Criteria: ACMG Guidelines, 2015. Collection method: clinical testing. Allele origin: germline. Affected: yes. Observed: 1 variant allele.

Literature cited by the submitters: PubMed 31400083 (cited by Ambry Genetics and Labcorp Genetics (formerly Invitae), Labcorp).

NM_000020.3(ACVRL1):c.1042G>A (p.Asp348Asn)

Gene: ACVRL1 (activin A receptor like type 1; plus strand). Cytogenetic location: 12q13.13.
Variant type: single nucleotide variant.
Coding change: c.1042G>A on transcript NM_000020.3 (MANE Select); coding-DNA position 1042, G replaced by A.
Protein change: p.Asp348Asn; replaces aspartic acid 348 with asparagine.
Molecular consequence: missense variant.
Genome position (GRCh38, 1-based): chr12:51,915,494, G>A. VCF-style: chr12-51915494-G-A. GRCh37 (hg19) VCF-style: chr12-52309278-G-A.
Other names: c.1042G>A, p.Asp348Asn (NM_001077401.2, NM_001406487.1, NM_001406488.1 and 1 more transcripts); c.730G>A, p.Asp244Asn (NM_001406490.1, NM_001406491.1, NM_001406492.1 and 2 more transcripts); c.478G>A, p.Asp160Asn (NM_001406495.1); short protein forms D160N, D244N, D348N.
Identifiers: ClinVar variation 2567110 (VCV002567110.6), dbSNP rs1940813954, ClinGen allele CA384901834.